The following is an entry in ClinVar:

ClinVar aggregate classification (germline): Uncertain significance (1 of 4 stars; one submission).

Conditions:
Familial adenomatous polyposis 1 (FAP1). Also called: POLYPOSIS, ADENOMATOUS INTESTINAL; FAMILIAL ADENOMATOUS POLYPOSIS 1, ATTENUATED. Identifiers: MedGen C2713442, MONDO:0021056, OMIM 175100. Disease mechanism: loss of function.

Submission:

Labcorp Genetics (formerly Invitae), Labcorp
Classification: Uncertain significance for Familial adenomatous polyposis 1. Last evaluated: 2021-09-01. Review status: criteria provided, single submitter. Criteria: Invitae Variant Classification Sherloc (09022015). Collection method: clinical testing. Allele origin: germline.
Comment: This variant occurs in a non-coding region of the APC gene. It does not change the encoded amino acid sequence of the APC protein. The frequency data for this variant in the population databases is considered unreliable, as metrics indicate insufficient coverage at this position in the ExAC database. This variant has not been reported in the literature in individuals affected with APC-related conditions. Experimental studies and prediction algorithms are not available or were not evaluated, and the functional significance of this variant is currently unknown. In summary, the available evidence is currently insufficient to determine the role of this variant in disease. Therefore, it has been classified as a Variant of Uncertain Significance.

NC_000005.10:g.112707427C>A

Gene: APC (APC regulator of Wnt signaling pathway; plus strand). Cytogenetic location: 5q22.2.
Variant type: single nucleotide variant.
Genome position: GRCh38 VCF-style: chr5-112707427-C-A. GRCh37 (hg19) VCF-style: chr5-112043124-C-A.
Identifiers: ClinVar variation 1024856 (VCV001024856.7), dbSNP rs1580995582, ClinGen allele CA1573442286.